The following is an entry in ClinVar:

ClinVar aggregate classification (germline): Uncertain significance. Review status: criteria provided, multiple submitters, no conflicts (2 of 4 stars). 2 submissions from 2 submitters: Uncertain significance (2). Last evaluated 2024-11-24.

Conditions:
Hereditary cancer-predisposing syndrome. Also called: Tumor predisposition; Hereditary Cancer Syndrome; Hereditary neoplastic syndrome; Neoplastic Syndromes, Hereditary. Identifiers: Orphanet 140162, MedGen C0027672, MeSH D009386, MONDO:0015356.

Allele frequency attached by ClinVar (database versions not stated): gnomAD exomes below 0.00001.
gnomAD v4.1: 1 of 1,612,058 alleles (0.000062%); highest among the groups gnomAD compares: Non-Finnish European, 0.000085%; no homozygotes.

Submissions (2):

Labcorp Genetics (formerly Invitae), Labcorp
Classification: Uncertain significance. Last evaluated: 2024-11-24. Review status: criteria provided, single submitter. Criteria: Invitae Variant Classification Sherloc (09022015). Collection method: clinical testing. Allele origin: germline.
Comment: This sequence change replaces aspartic acid, which is acidic and polar, with glycine, which is neutral and non-polar, at codon 904 of the CTNNA1 protein (p.Asp904Gly). This variant is not present in population databases (gnomAD no frequency). This variant has not been reported in the literature in individuals affected with CTNNA1-related conditions. ClinVar contains an entry for this variant (Variation ID: 2622462). An algorithm developed to predict the effect of missense changes on protein structure and function (PolyPhen-2) suggests that this variant is likely to be disruptive. In summary, the available evidence is currently insufficient to determine the role of this variant in disease. Therefore, it has been classified as a Variant of Uncertain Significance.

Ambry Genetics
Classification: Uncertain significance for Hereditary cancer-predisposing syndrome. Last evaluated: 2023-07-08. Review status: criteria provided, single submitter. Criteria: Ambry Variant Classification Scheme 2023. Collection method: clinical testing. Allele origin: germline.
Comment: The p.D904G variant (also known as c.2711A>G), located in coding exon 17 of the CTNNA1 gene, results from an A to G substitution at nucleotide position 2711. The aspartic acid at codon 904 is replaced by glycine, an amino acid with similar properties. This amino acid position is conserved. In addition, this alteration is predicted to be tolerated by in silico analysis. Since supporting evidence is limited at this time, the clinical significance of this alteration remains unclear.

NM_001903.5(CTNNA1):c.2711A>G (p.Asp904Gly)

Gene: CTNNA1 (catenin alpha 1; plus strand). Cytogenetic location: 5q31.2.
Variant type: single nucleotide variant.
Coding change: c.2711A>G on transcript NM_001903.5 (MANE Select); coding-DNA position 2711, A replaced by G.
Protein change: p.Asp904Gly; replaces aspartic acid 904 with glycine.
Molecular consequence: missense variant. On other transcripts: 3 prime UTR variant (5).
Genome position (GRCh38, 1-based): chr5:138,934,079, A>G. VCF-style: chr5-138934079-A-G. GRCh37 (hg19) VCF-style: chr5-138269768-A-G.
Other names: c.1601A>G, p.Asp534Gly (NM_001324000.1, NM_001290312.1, NM_001323987.1 and 12 more transcripts); c.*256A>G (NM_001324004.1, NM_001324002.1, NM_001324003.1 and 2 more transcripts); c.1466A>G, p.Asp489Gly (NM_001324001.1); c.1262A>G, p.Asp421Gly (NM_001324006.1, NM_001324007.1, NM_001324008.1 and 2 more transcripts); c.2402A>G, p.Asp801Gly (NM_001290309.3); c.2342A>G, p.Asp781Gly (NM_001290310.3); c.2711A>G, p.Asp904Gly (NM_001323982.2, NM_001323983.1, NM_001323984.2); c.2684A>G, p.Asp895Gly (NM_001323985.2); and 3 more; short protein forms D421G, D489G, D534G, D781G, D895G, D453G, D801G, D904G.
Identifiers: ClinVar variation 2622462 (VCV002622462.5), dbSNP rs2533958870, ClinGen allele CA361135829.